The following is an entry in ClinVar:

NM_001017420.3(ESCO2):c.150T>G (p.Ser50=)

Gene: ESCO2 (establishment of sister chromatid cohesion N-acetyltransferase 2; plus strand). Cytogenetic location: 8p21.1.
Variant type: single nucleotide variant.
Coding change: c.150T>G on transcript NM_001017420.3 (MANE Select); coding-DNA position 150, T replaced by G.
Protein change: p.Ser50=; no amino-acid change (serine 50 retained).
Molecular consequence: synonymous variant.
Genome position (GRCh38, 1-based): chr8:27,776,458, T>G. VCF-style: chr8-27776458-T-G. GRCh37 (hg19) VCF-style: chr8-27633975-T-G.
Identifiers: ClinVar variation 1147782 (VCV001147782.31), dbSNP rs772392422, ClinGen allele CA460187781.

ClinVar aggregate classification (germline): Likely benign. Review status: criteria provided, multiple submitters, no conflicts (2 of 4 stars). 2 submissions from 2 submitters: Likely benign (2). Last evaluated 2023-03-01.

Allele frequency attached by ClinVar (database versions not stated): TOPMed below 0.00001.
gnomAD v4.1: 4 of 1,610,732 alleles (0.00025%); highest among the groups gnomAD compares: South Asian, 0.0011%; no homozygotes.

Submissions (2):

CeGaT Center for Human Genetics Tuebingen
Classification: Likely benign. Last evaluated: 2023-03-01. Review status: criteria provided, single submitter. Criteria: CeGaT Center For Human Genetics Tuebingen Variant Classification Criteria Version 2. Collection method: clinical testing. Allele origin: germline. Affected: yes. Observed: 1 variant allele.
Comment: ESCO2: PM2:Supporting, BP4, BP7

Labcorp Genetics (formerly Invitae), Labcorp
Classification: Likely benign. Last evaluated: 2021-11-15. Review status: criteria provided, single submitter. Criteria: Invitae Variant Classification Sherloc (09022015). Collection method: clinical testing. Allele origin: germline.